The following is an entry in ClinVar:

ClinVar aggregate classification (germline): Uncertain significance (1 of 4 stars; one submission).

Conditions:
Familial adenomatous polyposis 1 (FAP1). Also called: FAMILIAL ADENOMATOUS POLYPOSIS 1, ATTENUATED; POLYPOSIS, ADENOMATOUS INTESTINAL. Identifiers: MedGen C2713442, MONDO:0021056, OMIM 175100. Disease mechanism: loss of function.

gnomAD v4.1: 1 of 1,369,442 alleles (0.000073%); highest among the groups gnomAD compares: African/African-American, 0.0014%; no homozygotes.

Submission:

Labcorp Genetics (formerly Invitae), Labcorp
Classification: Uncertain significance for Familial adenomatous polyposis 1. Last evaluated: 2025-02-06. Review status: criteria provided, single submitter. Criteria: Invitae Variant Classification Sherloc (09022015). Collection method: clinical testing. Allele origin: germline.
Comment: This variant occurs in a non-coding region of the APC gene. It does not change the encoded amino acid sequence of the APC protein. This variant is present in population databases (no rsID available, gnomAD no frequency). This variant has not been reported in the literature in individuals affected with APC-related conditions. Experimental studies and prediction algorithms are not available or were not evaluated, and the functional significance of this variant is currently unknown. In summary, the available evidence is currently insufficient to determine the role of this variant in disease. Therefore, it has been classified as a Variant of Uncertain Significance.

NM_001127511.3(APC):c.150G>C (p.Trp50Cys)

Gene: APC (APC regulator of Wnt signaling pathway; plus strand). Cytogenetic location: 5q22.2.
Variant type: single nucleotide variant.
Coding change: c.150G>C on transcript NM_001127511.3; coding-DNA position 150, G replaced by C.
Protein change: p.Trp50Cys; replaces tryptophan 50 with cysteine.
Molecular consequence: missense variant. On other transcripts: 5 prime UTR variant (8), non-coding transcript variant (1), intron variant (5).
Genome position (GRCh38, 1-based): chr5:112,707,867, G>C. VCF-style: chr5-112707867-G-C. GRCh37 (hg19) VCF-style: chr5-112043564-G-C.
Other names: c.-34G>C (NM_001354895.2, NM_001407447.1, NM_001407452.1 and 3 more transcripts); c.150G>C, p.Trp50Cys (NM_001354897.2, NM_001354902.2, NM_001407446.1); c.-1069G>C (NM_001407470.1, NM_001407472.1); c.-19+218G>C (NM_001407448.1, NM_001407450.1, NM_001407457.1 and 1 more transcripts); c.-43+218G>C (NM_001407453.1); short protein forms W50C.
Identifiers: ClinVar variation 1428880 (VCV001428880.6), dbSNP rs1163442131, ClinGen allele CA360612167.